The following is an entry in ClinVar:

NM_002235.5(KCNA6):c.188C>G (p.Pro63Arg)

Genes: KCNA6 (potassium voltage-gated channel subfamily A member 6; plus strand), KCNA6-AS1 (KCNA6 antisense RNA 1; minus strand). Cytogenetic location: 12p13.32.
Variant type: single nucleotide variant.
Coding change: c.188C>G on transcript NM_002235.5 (MANE Select); coding-DNA position 188, C replaced by G.
Protein change: p.Pro63Arg; replaces proline 63 with arginine.
Molecular consequence: missense variant. On other transcripts: non-coding transcript variant (3).
Genome position (GRCh38, 1-based): chr12:4,810,229, C>G. VCF-style: chr12-4810229-C-G. GRCh37 (hg19) VCF-style: chr12-4919395-C-G.
Other names: short protein forms P63R.
Identifiers: ClinVar variation 3392808 (VCV003392808.1).
Genomic context (GRCh38, chr12:4,810,229, plus strand): 5'-TGGTGATCAATATCTCCGGGCTGCGCTTTGAGACACAATTGCGCACCCTGTCGCTGTTTC[C>G]GGACACGCTGCTCGGAGACCCTGGCCGGCGAGTCCGCTTCTTCGACCCCCTGAGGAACGA-3'
Protein context (NP_002226.1, residues 53-73): ETQLRTLSLF[Pro63Arg]DTLLGDPGRR

ClinVar aggregate classification (germline): Uncertain significance (1 of 4 stars; one submission).

Submission:

GeneDx
Classification: Uncertain significance. Last evaluated: 2024-06-23. Review status: criteria provided, single submitter. Criteria: GeneDx Variant Classification Process June 2021. Collection method: clinical testing. Allele origin: germline. Affected: yes.
Comment: Not observed at significant frequency in large population cohorts (gnomAD); In silico analysis supports that this missense variant has a deleterious effect on protein structure/function; Has not been previously published as pathogenic or benign to our knowledge